The following is an entry in ClinVar:

NM_016169.4(SUFU):c.1033G>A (p.Asp345Asn)

Gene: SUFU (SUFU negative regulator of hedgehog signaling; plus strand). Cytogenetic location: 10q24.32.
Variant type: single nucleotide variant.
Coding change: c.1033G>A on transcript NM_016169.4 (MANE Select); coding-DNA position 1033, G replaced by A.
Protein change: p.Asp345Asn; replaces aspartic acid 345 with asparagine.
Molecular consequence: missense variant.
Genome position (GRCh38, 1-based): chr10:102,615,278, G>A. VCF-style: chr10-102615278-G-A. GRCh37 (hg19) VCF-style: chr10-104375035-G-A.
Other names: c.1033G>A, p.Asp345Asn (NM_001178133.2); short protein forms D345N.
Identifiers: ClinVar variation 3226851 (VCV003226851.1), dbSNP rs2492778320, ClinGen allele CA377913620.

ClinVar aggregate classification (germline): Uncertain significance (1 of 4 stars; one submission).

Conditions:
Hereditary cancer-predisposing syndrome. Also called: Neoplastic Syndromes, Hereditary; Tumor predisposition; Hereditary neoplastic syndrome; Hereditary Cancer Syndrome. Identifiers: Orphanet 140162, MedGen C0027672, MeSH D009386, MONDO:0015356.

Submission:

Ambry Genetics
Classification: Uncertain significance for Hereditary cancer-predisposing syndrome. Last evaluated: 2023-11-22. Review status: criteria provided, single submitter. Criteria: Ambry Variant Classification Scheme 2023. Collection method: clinical testing. Allele origin: germline.
Comment: The p.D345N variant (also known as c.1033G>A), located in coding exon 9 of the SUFU gene, results from a G to A substitution at nucleotide position 1033. The aspartic acid at codon 345 is replaced by asparagine, an amino acid with highly similar properties. This amino acid position is conserved. In addition, this alteration is predicted to be tolerated by in silico analysis. Since supporting evidence is limited at this time, the clinical significance of this alteration remains unclear.